The following is an entry in ClinVar:

NM_004281.4(BAG3):c.381A>T (p.Ala127=)

Gene: BAG3 (BAG cochaperone 3; plus strand). Cytogenetic location: 10q26.11.
Variant type: single nucleotide variant.
Coding change: c.381A>T on transcript NM_004281.4 (MANE Select); coding-DNA position 381, A replaced by T.
Protein change: p.Ala127=; no amino-acid change (alanine 127 retained).
Molecular consequence: synonymous variant.
Genome position (GRCh38, 1-based): chr10:119,670,051, A>T. VCF-style: chr10-119670051-A-T. GRCh37 (hg19) VCF-style: chr10-121429563-A-T.
Identifiers: ClinVar variation 298955 (VCV000298955.58), dbSNP rs140594879, ClinGen allele CA5716308.

ClinVar aggregate classification (germline): Conflicting classifications of pathogenicity. Review status: criteria provided, conflicting classifications (1 of 4 stars). 6 submissions from 5 submitters: Uncertain significance (1); Benign (1); Likely benign (3). 1 of the submissions does not count toward it. Last evaluated 2026-02-01.

Conditions:
BAG3-related disorder. Also called: BAG3-related condition.
Myofibrillar myopathy 6. Identifiers: Orphanet 199340, MedGen C2751831, MONDO:0013061, OMIM 612954.
Dilated cardiomyopathy 1HH (CMD1HH). Identifiers: Orphanet 154, MedGen C3151293, MONDO:0013479, OMIM 613881.
Cardiovascular phenotype. Identifiers: MedGen CN230736.

Allele frequency attached by ClinVar (database versions not stated): ExAC 0.00007; gnomAD exomes 0.00008; ESP Exome Variant Server 0.00015; gnomAD 0.00029 and 0.00030; 1000 Genomes Project 30x 0.00031; 1000 Genomes Project 0.00040.
gnomAD v4.1: 110 of 1,614,204 alleles (0.0068%); highest among the groups gnomAD compares: African/African-American, 0.12%; no homozygotes.

Submissions (6):

Labcorp Genetics (formerly Invitae), Labcorp
Classification: Likely benign for Dilated cardiomyopathy 1HH; Myofibrillar myopathy 6. Last evaluated: 2026-02-01. Review status: criteria provided, single submitter. Criteria: Invitae Variant Classification Sherloc (09022015). Collection method: clinical testing. Allele origin: germline.

GeneDx
Classification: Likely benign. Last evaluated: 2021-03-04. Review status: criteria provided, single submitter. Criteria: GeneDx Variant Classification Process June 2021. Collection method: clinical testing. Allele origin: germline. Affected: yes.

Ambry Genetics
Classification: Likely benign for Cardiovascular phenotype. Last evaluated: 2019-10-08. Review status: criteria provided, single submitter. Criteria: Ambry Variant Classification Scheme 2023. Collection method: clinical testing. Allele origin: germline.

Illumina Laboratory Services, Illumina
Classification: Benign for Myofibrillar myopathy 6. Last evaluated: 2018-01-13. Review status: criteria provided, single submitter. Criteria: ICSL Variant Classification Criteria 13 December 2019. Collection method: clinical testing. Allele origin: germline.
Comment: This variant was observed in the ICSL laboratory as part of a predisposition screen in an ostensibly healthy population. It had not been previously curated by ICSL or reported in the Human Gene Mutation Database (HGMD: prior to June 1st, 2018), and was therefore a candidate for classification through an automated scoring system. Utilizing variant allele frequency, disease prevalence and penetrance estimates, and inheritance mode, an automated score was calculated to assess if this variant is too frequent to cause the disease. Based on the score and internal cut-off values, a variant classified as benign is not then subjected to further curation. The score for this variant resulted in a classification of benign for this disease.

Illumina Laboratory Services, Illumina
Classification: Uncertain significance for Dilated cardiomyopathy 1HH. Last evaluated: 2018-01-13. Review status: criteria provided, single submitter. Criteria: ICSL Variant Classification Criteria 13 December 2019. Collection method: clinical testing. Allele origin: germline.

PreventionGenetics, part of Exact Sciences
Classification: Likely benign for BAG3-related condition. Last evaluated: 2024-07-26. Review status: no assertion criteria provided. Collection method: clinical testing. Allele origin: germline. Not counted in ClinVar's aggregate classification.
Comment: This variant is classified as likely benign based on ACMG/AMP sequence variant interpretation guidelines (Richards et al. 2015 PMID: 25741868, with internal and published modifications).